The following is an entry in ClinVar:

NM_017714.3(TASP1):c.1023C>T (p.Gly341=)

Gene: TASP1 (taspase 1; minus strand). Cytogenetic location: 20p12.1.
Variant type: single nucleotide variant.
Coding change: c.1023C>T on transcript NM_017714.3 (MANE Select); coding-DNA position 1023, C replaced by T.
Protein change: p.Gly341=; no amino-acid change (glycine 341 retained).
Molecular consequence: synonymous variant. On other transcripts: non-coding transcript variant (4).
Genome position (GRCh38, 1-based): chr20:13,435,117, G>A on the plus strand (C>T on the coding strand, the complement: TASP1 is on the minus strand). VCF-style: chr20-13435117-G-A. GRCh37 (hg19) VCF-style: chr20-13415764-G-A.
Other names: c.630C>T, p.Gly210= (NM_001323602.2); c.717C>T, p.Gly239= (NM_001323603.2, NM_001323604.2).
Identifiers: ClinVar variation 4872192 (VCV004872192.3).

ClinVar aggregate classification (germline): Likely benign. Review status: criteria provided, multiple submitters, no conflicts (2 of 4 stars). 2 submissions from 2 submitters: Likely benign (2). Last evaluated 2026-06-01.

gnomAD v4.1: 727 of 1,608,552 alleles (0.045%); highest among the groups gnomAD compares: Non-Finnish European, 0.056%; 1 homozygote.

Submissions (2):

CeGaT Center for Human Genetics Tuebingen
Classification: Likely benign. Last evaluated: 2026-06-01. Review status: criteria provided, single submitter. Criteria: CeGaT Center For Human Genetics Tuebingen Variant Classification Criteria Version 2. Collection method: clinical testing. Allele origin: germline. Affected: yes. Observed: 1 variant allele.
Comment: TASP1: BP4, BP7

Blueprint Genetics
Classification: Likely benign. Last evaluated: 2024-11-15. Review status: criteria provided, single submitter. Criteria: ACMG Guidelines, 2015. Collection method: clinical testing. Allele origin: germline.